The following is an entry in ClinVar:

ClinVar aggregate classification (germline): Benign (1 of 4 stars; one submission).

Conditions:
Familial cancer of breast. Also called: Hereditary breast cancer; BREAST CANCER, FAMILIAL; hereditary breast carcinoma. Identifiers: Orphanet 227535, MedGen C0346153, MONDO:0016419, OMIM 114480. Disease mechanism: loss of function.

Submission:

Myriad Genetics, Inc.
Classification: Benign for Familial cancer of breast. Last evaluated: 2024-10-01. Review status: criteria provided, single submitter. Criteria: Myriad Autosomal Dominant, Autosomal Recessive and X-Linked Classification Criteria (2023). Collection method: clinical testing. Allele origin: unknown.
Comment: This variant is considered benign. This variant is a silent/synonymous amino acid change and it is not expected to impact splicing.

NM_007194.4(CHEK2):c.177A>G (p.Thr59=)

Gene: CHEK2 (checkpoint kinase 2; minus strand). Cytogenetic location: 22q12.1.
Variant type: single nucleotide variant.
Coding change: c.177A>G on transcript NM_007194.4 (MANE Select); coding-DNA position 177, A replaced by G.
Protein change: p.Thr59=; no amino-acid change (threonine 59 retained).
Molecular consequence: synonymous variant.
Genome position (GRCh38, 1-based): chr22:28,734,545, T>C on the plus strand (A>G on the coding strand, the complement: CHEK2 is on the minus strand). VCF-style: chr22-28734545-T-C. GRCh37 (hg19) VCF-style: chr22-29130533-T-C.
Other names: c.177A>G, p.Thr59= (NM_001005735.3, NM_001349956.3, NM_145862.3); c.-601A>G (NM_001257387.3).
Identifiers: ClinVar variation 3772710 (VCV003772710.1).